The following is an entry in ClinVar:

NM_139321.3(ATRN):c.3086C>T (p.Ser1029Leu)

Gene: ATRN (attractin; plus strand). Cytogenetic location: 20p13.
Variant type: single nucleotide variant.
Coding change: c.3086C>T on transcript NM_139321.3 (MANE Select); coding-DNA position 3086, C replaced by T.
Protein change: p.Ser1029Leu; replaces serine 1029 with leucine.
Molecular consequence: missense variant.
Genome position (GRCh38, 1-based): chr20:3,584,782, C>T. VCF-style: chr20-3584782-C-T. GRCh37 (hg19) VCF-style: chr20-3565429-C-T.
Other names: c.2738C>T, p.Ser913Leu (NM_001207047.3); c.3086C>T, p.Ser1029Leu (NM_001323332.2, NM_139322.4); c.3086C>T (NM_139321.2); short protein forms S1029L, S913L.
Identifiers: ClinVar variation 1430256 (VCV001430256.7), dbSNP rs535390217, ClinGen allele CA9744424.
Genomic context (GRCh38, chr20:3,584,782, plus strand): 5'-GCAATACTGGCAAAGGGAAATGCATAGAGGGTTCCTATAAAGGACCAGTGAAGATGCCTT[C>T]GCAAGCCCCTACAGGAAATTTCTATCCACAGCCCCTGCTCAATTCCAGCATGTGTCTAGA-3'
Protein context (NP_647537.1, residues 1019-1039): GSYKGPVKMP[Ser1029Leu]QAPTGNFYPQ

ClinVar aggregate classification (germline): Uncertain significance. Review status: criteria provided, multiple submitters, no conflicts (2 of 4 stars). 2 submissions from 2 submitters: Uncertain significance (2). Last evaluated 2024-12-09.

Allele frequency attached by ClinVar (database versions not stated): gnomAD exomes 0.00002 and 0.00003; ExAC 0.00003; gnomAD 0.00006; TOPMed 0.00006; 1000 Genomes Project 30x 0.00016; 1000 Genomes Project 0.00020.
gnomAD v4.1: 39 of 1,614,118 alleles (0.0024%); highest among the groups gnomAD compares: African/African-American, 0.013%; no homozygotes.

Submissions (2):

Labcorp Genetics (formerly Invitae), Labcorp
Classification: Uncertain significance. Last evaluated: 2024-12-09. Review status: criteria provided, single submitter. Criteria: Invitae Variant Classification Sherloc (09022015). Collection method: clinical testing. Allele origin: germline.
Comment: This sequence change replaces serine, which is neutral and polar, with leucine, which is neutral and non-polar, at codon 1029 of the ATRN protein (p.Ser1029Leu). This variant is present in population databases (rs535390217, gnomAD 0.01%). This variant has not been reported in the literature in individuals affected with ATRN-related conditions. ClinVar contains an entry for this variant (Variation ID: 1430256). An algorithm developed to predict the effect of missense changes on protein structure and function (PolyPhen-2) suggests that this variant is likely to be tolerated. In summary, the available evidence is currently insufficient to determine the role of this variant in disease. Therefore, it has been classified as a Variant of Uncertain Significance.

Ambry Genetics
Classification: Uncertain significance. Last evaluated: 2021-07-20. Review status: criteria provided, single submitter. Criteria: Ambry Variant Classification Scheme 2023. Collection method: clinical testing. Allele origin: germline.